The following is an entry in ClinVar:

NM_020706.2(SCAF4):c.1669dup (p.Tyr557fs)

Gene: SCAF4 (SR-related CTD associated factor 4; minus strand). Cytogenetic location: 21q22.11.
Variant type: Duplication.
Coding change: c.1669dup on transcript NM_020706.2 (MANE Select); coding-DNA position 1669, one base duplicated (T; older notation c.1669dupT).
Protein change: p.Tyr557fs; shifts the reading frame from tyrosine 557.
Molecular consequence: frameshift variant.
Genome position (GRCh38, 1-based): chr21:31,691,876, A duplicated on the plus strand (T on the coding strand, the reverse complement: SCAF4 is on the minus strand). VCF-style (leftmost placement, unchanged base first): chr21-31691875-T-TA. GRCh37 (hg19) VCF-style: chr21-33064188-T-TA.
Other names: c.1624dup, p.Tyr542fs (NM_001145444.1); c.1669dup, p.Tyr557fs (NM_001145445.1); short protein forms Y542fs, Y557fs.
Identifiers: ClinVar variation 2664961 (VCV002664961.3), dbSNP rs2516753687, ClinGen allele CA2695201438.

ClinVar aggregate classification (germline): Pathogenic (1 of 4 stars; one submission).

Conditions:
Fliedner-Zweier syndrome (FZS). Identifiers: MedGen C5882693, MONDO:0957787, OMIM 620511.

Submission:

Institute of Human Genetics, University of Leipzig Medical Center
Classification: Pathogenic for Fliedner-Zweier syndrome. Last evaluated: 2023-12-07. Review status: criteria provided, single submitter. Criteria: ACMG Guidelines, 2015. Collection method: clinical testing. Allele origin: de novo. Inheritance: Autosomal dominant inheritance. Affected: yes.
Comment: Criteria applied: PVS1,PS2_MOD,PM2_SUP